The following is an entry in ClinVar:

Submission:

Seelig Lab, University of Washington
No classification provided (evidence only). Review status: no classification provided. Collection method: in vitro. Allele origin: not applicable. Functional consequence: effect on translation.
ClinVar note: "not provided" was previously submitted as the classification for the variant. However, the classification appeared to be based only on an observation of functional data so it was converted to no classification on 2025-07-30.

NM_000155.4(GALT):c.197C>A (p.Pro66His)

Genes: GALT (galactose-1-phosphate uridylyltransferase; plus strand), LOC130001683 (ATAC-STARR-seq lymphoblastoid active region 28314; plus strand). Cytogenetic location: 9p13.3.
Variant type: single nucleotide variant.
Coding change: c.197C>A on transcript NM_000155.4 (MANE Select); coding-DNA position 197, C replaced by A.
Protein change: p.Pro66His; replaces proline 66 with histidine.
Molecular consequence: missense variant. On other transcripts: 5 prime UTR variant (1).
Genome position (GRCh38, 1-based): chr9:34,647,203, C>A. VCF-style: chr9-34647203-C-A. GRCh37 (hg19) VCF-style: chr9-34647200-C-A.
Other names: c.-6C>A (NM_001258332.2).
Identifiers: ClinVar variation 25135 (VCV000025135.5), dbSNP rs111033656, ClinGen allele CA259335.